The following is an entry in ClinVar:

ClinVar aggregate classification (germline): Uncertain significance (1 of 4 stars; one submission).

Conditions:
Alstrom syndrome (ALMS). Identifiers: Orphanet 64, MedGen C0268425, MONDO:0008763, OMIM 203800.

Allele frequency attached by ClinVar (database versions not stated): gnomAD exomes below 0.00001; TOPMed below 0.00001; gnomAD 0.00003.
gnomAD v4.1: 6 of 1,613,944 alleles (0.00037%); highest among the groups gnomAD compares: African/African-American, 0.008%; no homozygotes.

Submission:

Labcorp Genetics (formerly Invitae), Labcorp
Classification: Uncertain significance for Alstrom syndrome. Last evaluated: 2022-04-15. Review status: criteria provided, single submitter. Criteria: Invitae Variant Classification Sherloc (09022015). Collection method: clinical testing. Allele origin: germline.
Comment: This sequence change replaces asparagine, which is neutral and polar, with aspartic acid, which is acidic and polar, at codon 2221 of the ALMS1 protein (p.Asn2221Asp). This variant is not present in population databases (gnomAD no frequency). This variant has not been reported in the literature in individuals affected with ALMS1-related conditions. Experimental studies and prediction algorithms are not available or were not evaluated, and the functional significance of this variant is currently unknown. In summary, the available evidence is currently insufficient to determine the role of this variant in disease. Therefore, it has been classified as a Variant of Uncertain Significance.

NM_001378454.1(ALMS1):c.6658A>G (p.Asn2220Asp)

Gene: ALMS1 (ALMS1 centrosome and basal body associated protein; plus strand). Cytogenetic location: 2p13.1.
Variant type: single nucleotide variant.
Coding change: c.6658A>G on transcript NM_001378454.1 (MANE Select); coding-DNA position 6658, A replaced by G.
Protein change: p.Asn2220Asp; replaces asparagine 2220 with aspartic acid.
Molecular consequence: missense variant.
Genome position (GRCh38, 1-based): chr2:73,453,185, A>G. VCF-style: chr2-73453185-A-G. GRCh37 (hg19) VCF-style: chr2-73680312-A-G.
Other names: c.6661A>G, p.Asn2221Asp (NM_015120.4); short protein forms N2220D, N2221D.
Identifiers: ClinVar variation 1511943 (VCV001511943.3), dbSNP rs1303642220, ClinGen allele CA347288937.
Genomic context (GRCh38, chr2:73,453,185, plus strand): 5'-GAACATGTCCAAAGGCTAATAGATAATTTGAATTCTTCTGACTCCAGTGTTAGCTCAAAT[A>G]ATGTGCTTTTAAATTCTCAGGCTGATGACAGAGTTGTAATAAATAAACCAGAATCTGCAG-3'
Protein context (NP_001365383.1, residues 2210-2230): NSSDSSVSSN[Asn2220Asp]VLLNSQADDR